The following is an entry in ClinVar:

ClinVar aggregate classification (germline): Pathogenic/Likely pathogenic. Review status: criteria provided, multiple submitters, no conflicts (2 of 4 stars). 2 submissions from 2 submitters: Pathogenic (1); Likely pathogenic (1). Last evaluated 2025-09-15.

Conditions:
Familial adenomatous polyposis 1 (FAP1). Also called: FAMILIAL ADENOMATOUS POLYPOSIS 1, ATTENUATED; POLYPOSIS, ADENOMATOUS INTESTINAL. Identifiers: MedGen C2713442, MONDO:0021056, OMIM 175100. Disease mechanism: loss of function.

Submissions (2):

3billion
Classification: Likely pathogenic for Familial adenomatous polyposis 1. Last evaluated: 2025-09-15. Review status: criteria provided, single submitter. Criteria: ACMG Guidelines, 2015. Collection method: clinical testing. Allele origin: germline. Affected: yes.
Comment: The variant is not observed in the gnomAD v4.1.0 dataset. Predicted Consequence/Location: Frameshift: predicted to result in a loss or disruption of normal protein function through protein truncation. The predicted truncated protein may be shortened by more than 10%. The variant has been reported to be associated with APC-related disorder (ClinVar ID: VCV000858116 /PMID: 34573902). Therefore, this variant is classified as Likely pathogenic according to the recommendation of ACMG/AMP guideline.

Labcorp Genetics (formerly Invitae), Labcorp
Classification: Pathogenic for Familial adenomatous polyposis 1. Last evaluated: 2022-01-28. Review status: criteria provided, single submitter. Criteria: Invitae Variant Classification Sherloc (09022015). Collection method: clinical testing. Allele origin: germline.
Comment: For these reasons, this variant has been classified as Pathogenic. A different truncation (p.Tyr2645Lysfs*14) that lies downstream of this variant has been determined to be pathogenic (PMID: 9824584, 1316610, 27081525, 8381579, 22135120, Invitae). This suggests that deletion of this region of the APC protein is causative of disease. This variant is expected to disrupt the EB1 and HDLG binding sites, which mediate interactions with the cytoskeleton (PMID: 15311282, 17293347). While functional studies have not been performed to directly test the effect on APC protein function, this suggests that disruption of the C-terminal portion of the protein is functionally important. ClinVar contains an entry for this variant (Variation ID: 858116). This premature translational stop signal has been observed in individual(s) with clinical features of familial adenomatous polyposis (PMID: 19029688). This variant is not present in population databases (gnomAD no frequency). This sequence change creates a premature translational stop signal (p.Thr1537Asnfs*7) in the APC gene. While this is not anticipated to result in nonsense mediated decay, it is expected to disrupt the last 1307 amino acid(s) of the APC protein.

Literature cited by the submitters: PubMed 34573902 (cited by 3billion); PubMed 9824584 (cited by Labcorp Genetics (formerly Invitae), Labcorp); PubMed 1316610 (cited by Labcorp Genetics (formerly Invitae), Labcorp); PubMed 27081525 (cited by Labcorp Genetics (formerly Invitae), Labcorp); PubMed 8381579 (cited by Labcorp Genetics (formerly Invitae), Labcorp); PubMed 22135120 (cited by Labcorp Genetics (formerly Invitae), Labcorp); PubMed 15311282 (cited by Labcorp Genetics (formerly Invitae), Labcorp); PubMed 17293347 (cited by Labcorp Genetics (formerly Invitae), Labcorp); PubMed 19029688 (cited by Labcorp Genetics (formerly Invitae), Labcorp).

NM_000038.6(APC):c.4609dup (p.Thr1537fs)

Gene: APC (APC regulator of Wnt signaling pathway; plus strand). Cytogenetic location: 5q22.2.
Variant type: Duplication.
Coding change: c.4609dup on transcript NM_000038.6 (MANE Select); coding-DNA position 4609, one base duplicated (A; older notation c.4609dupA).
Protein change: p.Thr1537fs; shifts the reading frame from threonine 1537.
Molecular consequence: frameshift variant.
Genome position (GRCh38, 1-based): chr5:112,840,203, A duplicated; the last of 3 consecutive A bases (chr5:112,840,201-112,840,203); duplicating any one gives the same sequence. VCF-style (leftmost placement, unchanged base first): chr5-112840200-G-GA. GRCh37 (hg19) VCF-style: chr5-112175897-G-GA.
Other names: c.4609dup, p.Thr1537fs (NM_001127510.3, NM_001354895.2); c.4555dup, p.Thr1519fs (NM_001127511.3); c.4663dup, p.Thr1555fs (NM_001354896.2); c.4639dup, p.Thr1547fs (NM_001354897.2); c.4534dup, p.Thr1512fs (NM_001354898.2); c.4525dup, p.Thr1509fs (NM_001354899.2); c.4486dup, p.Thr1496fs (NM_001354900.2); c.4432dup, p.Thr1478fs (NM_001354901.2); and 5 more; short protein forms T1377fs, T1436fs, T1411fs, T1446fs, T1519fs, T1537fs, T1509fs, T1547fs.
Identifiers: ClinVar variation 858116 (VCV000858116.12), dbSNP rs1765721326, ClinGen allele CA916079909.